The following is an entry in ClinVar:

ClinVar aggregate classification (germline): Uncertain significance (1 of 4 stars; one submission).

Conditions:
Hereditary pancreatitis (PCTT). Also called: Hereditary chronic pancreatitis; PRSS1-Related Hereditary Pancreatitis. Identifiers: Orphanet 676, MedGen C0238339, MONDO:0008185, OMIM 167800.

gnomAD v4.1: 4 of 1,614,230 alleles (0.00025%); highest among the groups gnomAD compares: Non-Finnish European, 0.00025%; no homozygotes.

Submission:

Ambry Genetics
Classification: Uncertain significance for Hereditary pancreatitis. Last evaluated: 2026-01-20. Review status: criteria provided, single submitter. Criteria: Ambry Variant Classification Scheme 2023. Collection method: clinical testing. Allele origin: germline.
Comment: The p.I289T variant (also known as c.866T>C), located in coding exon 8 of the CPA1 gene, results from a T to C substitution at nucleotide position 866. The isoleucine at codon 289 is replaced by threonine, an amino acid with similar properties. This amino acid position is well conserved in available vertebrate species. In addition, the in silico prediction for this alteration is inconclusive. Based on the available evidence, the clinical significance of this variant remains unclear.

NM_001868.4(CPA1):c.866T>C (p.Ile289Thr)

Gene: CPA1 (carboxypeptidase A1; plus strand). Cytogenetic location: 7q32.2.
Variant type: single nucleotide variant.
Coding change: c.866T>C on transcript NM_001868.4 (MANE Select); coding-DNA position 866, T replaced by C.
Protein change: p.Ile289Thr; replaces isoleucine 289 with threonine.
Molecular consequence: missense variant.
Genome position (GRCh38, 1-based): chr7:130,385,224, T>C. VCF-style: chr7-130385224-T-C. GRCh37 (hg19) VCF-style: chr7-130025065-T-C.
Other names: short protein forms I289T.
Identifiers: ClinVar variation 4843268 (VCV004843268.1).
Genomic context (GRCh38, chr7:130,385,224, plus strand): 5'-ACCCCTGCTCGGAGACTTACCACGGCAAGTTTGCCAATTCCGAAGTGGAGGTCAAGTCCA[T>C]TGTAGACTTTGTGAAGGACCATGGGAACATCAAGGCCTTCATCTCCATCCACAGCTACTC-3'
Protein context (NP_001859.1, residues 279-299): FANSEVEVKS[Ile289Thr]VDFVKDHGNI